The following is an entry in ClinVar:

NM_198253.3(TERT):c.404G>A (p.Gly135Glu)

Gene: TERT (telomerase reverse transcriptase; minus strand). Cytogenetic location: 5p15.33.
Variant type: single nucleotide variant.
Coding change: c.404G>A on transcript NM_198253.3 (MANE Select); coding-DNA position 404, G replaced by A.
Protein change: p.Gly135Glu; replaces glycine 135 with glutamic acid.
Molecular consequence: missense variant. On other transcripts: non-coding transcript variant (2).
Genome position (GRCh38, 1-based): chr5:1,294,482, C>T on the plus strand (G>A on the coding strand, the complement: TERT is on the minus strand). VCF-style: chr5-1294482-C-T. GRCh37 (hg19) VCF-style: chr5-1294597-C-T.
Other names: c.404G>A, p.Gly135Glu (NM_001193376.3); short protein forms G135E.
Identifiers: ClinVar variation 4865450 (VCV004865450.1).

ClinVar aggregate classification (germline): Uncertain significance (1 of 4 stars; one submission).

Conditions:
Dyskeratosis congenita. Identifiers: Orphanet 1775, MedGen C0265965, MONDO:0015780.

Submission:

Ambry Genetics
Classification: Uncertain significance for Dyskeratosis congenita. Last evaluated: 2026-05-15. Review status: criteria provided, single submitter. Criteria: Ambry Variant Classification Scheme 2023. Collection method: clinical testing. Allele origin: germline.
Comment: The p.G135E variant (also known as c.404G>A), located in coding exon 2 of the TERT gene, results from a G to A substitution at nucleotide position 404. The glycine at codon 135 is replaced by glutamic acid, an amino acid with similar properties. This variant was reported in individual(s) with features consistent with TERT-related disorder (Gorgy AI et al. Chest, 2015 Oct;148:1019-1026). This amino acid position is not well conserved in available vertebrate species. In addition, the in silico prediction for this alteration is inconclusive. Based on the available evidence, the clinical significance of this variant remains unclear.

Literature cited by the submitters: PubMed 26158642.